The following is an entry in ClinVar:

NM_002519.3(NPAT):c.704C>T (p.Pro235Leu)

Gene: NPAT (nuclear protein, coactivator of histone transcription; minus strand). Cytogenetic location: 11q22.3.
Variant type: single nucleotide variant.
Coding change: c.704C>T on transcript NM_002519.3 (MANE Select); coding-DNA position 704, C replaced by T.
Protein change: p.Pro235Leu; replaces proline 235 with leucine.
Molecular consequence: missense variant.
Genome position (GRCh38, 1-based): chr11:108,186,504, G>A on the plus strand (C>T on the coding strand, the complement: NPAT is on the minus strand). VCF-style: chr11-108186504-G-A. GRCh37 (hg19) VCF-style: chr11-108057231-G-A.
Other names: c.704C>T, p.Pro235Leu (NM_001321307.1); short protein forms P235L.
Identifiers: ClinVar variation 3222640 (VCV003222640.1), dbSNP rs2496740254, ClinGen allele CA382522215.

ClinVar aggregate classification (germline): Uncertain significance (1 of 4 stars; one submission).

Submission:

Ambry Genetics
Classification: Uncertain significance. Last evaluated: 2024-01-13. Review status: criteria provided, single submitter. Criteria: Ambry Variant Classification Scheme 2023. Collection method: clinical testing. Allele origin: germline.
Comment: The p.P235L variant (also known as c.704C>T), located in coding exon 8 of the NPAT gene, results from a C to T substitution at nucleotide position 704. The proline at codon 235 is replaced by leucine, an amino acid with similar properties. This amino acid position is conserved. In addition, this alteration is predicted to be tolerated by in silico analysis. Since supporting evidence is limited at this time, the clinical significance of this alteration remains unclear.